The following is an entry in ClinVar:

NM_015404.4(WHRN):c.886G>T (p.Gly296Trp)

Gene: WHRN (whirlin; minus strand). Cytogenetic location: 9q32.
Variant type: single nucleotide variant.
Coding change: c.886G>T on transcript NM_015404.4 (MANE Select); coding-DNA position 886, G replaced by T.
Protein change: p.Gly296Trp; replaces glycine 296 with tryptophan.
Molecular consequence: missense variant. On other transcripts: 5 prime UTR variant (1).
Genome position (GRCh38, 1-based): chr9:114,466,344, C>A on the plus strand (G>T on the coding strand, the complement: WHRN is on the minus strand). VCF-style: chr9-114466344-C-A. GRCh37 (hg19) VCF-style: chr9-117228624-C-A.
Other names: c.-264G>T (NM_001083885.3); c.886G>T, p.Gly296Trp (NM_001173425.2); short protein forms G296W.
Identifiers: ClinVar variation 2119552 (VCV002119552.2), dbSNP rs748878766, ClinGen allele CA5206128.

ClinVar aggregate classification (germline): Uncertain significance (1 of 4 stars; one submission).

Allele frequency attached by ClinVar (database versions not stated): TOPMed below 0.00001; ExAC 0.00002.
gnomAD v4.1: 6 of 1,614,160 alleles (0.00037%); highest among the groups gnomAD compares: Non-Finnish European, 0.00042%; no homozygotes.

Submission:

Labcorp Genetics (formerly Invitae), Labcorp
Classification: Uncertain significance. Last evaluated: 2023-08-04. Review status: criteria provided, single submitter. Criteria: Invitae Variant Classification Sherloc (09022015). Collection method: clinical testing. Allele origin: germline.
Comment: In summary, the available evidence is currently insufficient to determine the role of this variant in disease. Therefore, it has been classified as a Variant of Uncertain Significance. An algorithm developed to predict the effect of missense changes on protein structure and function (PolyPhen-2) suggests that this variant is likely to be disruptive. ClinVar contains an entry for this variant (Variation ID: 2119552). This variant has not been reported in the literature in individuals affected with WHRN-related conditions. This variant is present in population databases (rs748878766, gnomAD 0.01%). This sequence change replaces glycine, which is neutral and non-polar, with tryptophan, which is neutral and slightly polar, at codon 296 of the WHRN protein (p.Gly296Trp).